The following is an entry in ClinVar:

NM_004360.5(CDH1):c.1962A>C (p.Pro654=)

Gene: CDH1 (cadherin 1; plus strand). Cytogenetic location: 16q22.1.
Variant type: single nucleotide variant.
Coding change: c.1962A>C on transcript NM_004360.5 (MANE Select); coding-DNA position 1962, A replaced by C.
Protein change: p.Pro654=; no amino-acid change (proline 654 retained).
Molecular consequence: synonymous variant. On other transcripts: 5 prime UTR variant (1).
Genome position (GRCh38, 1-based): chr16:68,823,424, A>C. VCF-style: chr16-68823424-A-C. GRCh37 (hg19) VCF-style: chr16-68857327-A-C.
Other names: c.1779A>C, p.Pro593= (NM_001317184.2); c.414A>C, p.Pro138= (NM_001317185.2); c.-4A>C (NM_001317186.2).
Identifiers: ClinVar variation 3379207 (VCV003379207.1).

ClinVar aggregate classification (germline): Benign (1 of 4 stars; one submission).

Conditions:
Hereditary diffuse gastric adenocarcinoma (HDGC). Also called: DIFFUSE GASTRIC AND LOBULAR BREAST CANCER SYNDROME. Identifiers: Orphanet 26106, MedGen C1708349, MONDO:0007648, OMIM 137215.

Submission:

Myriad Genetics, Inc.
Classification: Benign for Hereditary diffuse gastric adenocarcinoma. Last evaluated: 2024-09-20. Review status: criteria provided, single submitter. Criteria: Myriad Autosomal Dominant, Autosomal Recessive and X-Linked Classification Criteria (2023). Collection method: clinical testing. Allele origin: unknown.
Comment: This variant is considered benign. This variant is a silent/synonymous amino acid change and it is not expected to impact splicing.